The following is an entry in ClinVar:

ClinVar aggregate classification (germline): Conflicting classifications of pathogenicity. Review status: criteria provided, conflicting classifications (1 of 4 stars). 2 submissions from 2 submitters: Uncertain significance (1); Likely benign (1). Last evaluated 2023-12-13.

Conditions:
Hereditary leiomyomatosis and renal cell cancer. Also called: FH tumor predisposition syndrome; LEIOMYOMA, MULTIPLE CUTANEOUS; MULTIPLE CUTANEOUS AND UTERINE LEIOMYOMATA 1, WITH OR WITHOUT RENAL CELL CARCINOMA; Reed syndrome; Multiple cutaneous and uterine leiomyomatosis; Cutaneous leiomyomata with uterine leiomyomata. Identifiers: Orphanet 523, MedGen C1708350, MONDO:0007888, OMIM 150800, HP:0007437. Disease mechanism: loss of function.

Allele frequency attached by ClinVar (database versions not stated): gnomAD exomes below 0.00001; gnomAD 0.00001.
gnomAD v4.1: 2 of 1,614,066 alleles (0.00012%); highest among the groups gnomAD compares: African/African-American, 0.0027%; no homozygotes.

Submissions (2):

Myriad Genetics, Inc.
Classification: Likely benign for Hereditary leiomyomatosis and renal cell cancer. Last evaluated: 2023-12-13. Review status: criteria provided, single submitter. Criteria: Myriad Autosomal Dominant, Autosomal Recessive and X-Linked Classification Criteria (2023). Collection method: clinical testing. Allele origin: unknown.
Comment: This variant is considered likely benign. This variant is a silent/synonymous amino acid change and it is not expected to impact splicing.

Labcorp Genetics (formerly Invitae), Labcorp
Classification: Uncertain significance. Last evaluated: 2022-04-20. Review status: criteria provided, single submitter. Criteria: Invitae Variant Classification Sherloc (09022015). Collection method: clinical testing. Allele origin: germline.
Comment: This variant has not been reported in the literature in individuals affected with FH-related conditions. This variant is present in population databases (no rsID available, gnomAD 0.007%). This sequence change affects codon 89 of the FH mRNA. It is a 'silent' change, meaning that it does not change the encoded amino acid sequence of the FH protein. It affects a nucleotide within the consensus splice site. In summary, the available evidence is currently insufficient to determine the role of this variant in disease. Therefore, it has been classified as a Variant of Uncertain Significance. Algorithms developed to predict the effect of sequence changes on RNA splicing suggest that this variant is not likely to affect RNA splicing. ClinVar contains an entry for this variant (Variation ID: 858651).

NM_000143.4(FH):c.267A>G (p.Pro89=)

Gene: FH (fumarate hydratase; minus strand). Cytogenetic location: 1q43.
Variant type: single nucleotide variant.
Coding change: c.267A>G on transcript NM_000143.4 (MANE Select); coding-DNA position 267, A replaced by G.
Protein change: p.Pro89=; no amino-acid change (proline 89 retained).
Molecular consequence: synonymous variant.
Genome position (GRCh38, 1-based): chr1:241,517,182, T>C on the plus strand (A>G on the coding strand, the complement: FH is on the minus strand). VCF-style: chr1-241517182-T-C. GRCh37 (hg19) VCF-style: chr1-241680482-T-C.
Identifiers: ClinVar variation 858651 (VCV000858651.11), dbSNP rs1060500897, ClinGen allele CA424076556.
Genomic context (GRCh38, chr1:241,517,182, plus strand): 5'-GACTCATGAATACAGCCTACTTCATCCAAAATAGCCAACATTTCCACAAATGCCACTTAC[T>C]GGCATGCGTTCTGTCACACCTCCAATCTTAAAGTTCATCGTAGATCTCACGGTCTGGGCG-3'
Protein context (NP_000134.2, residues 79-99): FKIGGVTERM[Pro89=]TPVIKAFGIL